The following is an entry in ClinVar:

ClinVar aggregate classification (germline): Likely pathogenic (1 of 4 stars; one submission).

Conditions:
Miller syndrome (POADS). Also called: GENEE-WIEDEMANN SYNDROME; Genee-Wiedemann acrofacial dysostosis. Identifiers: Orphanet 246, MedGen C0265257, MONDO:0009903, OMIM 263750.

Submission:

Dubai Health Genomic Medicine Center, Dubai Health
Classification: Likely pathogenic for Miller syndrome. Last evaluated: 2020-02-23. Review status: criteria provided, single submitter. Criteria: ACMG Guidelines, 2015. Collection method: clinical testing. Allele origin: germline. Affected: yes.
Comment: The Glu318* variant in DHODH has not been previously reported in individuals with disease and was absent from large population studies. This nonsense variant leads to a premature termination codon at position 318 of the only DHODH transcript which is predicted to lead to a truncated or absent protein. Bi-allelic loss-of-function variants in DHODH are associated with Miller syndrome. In summary this variant meets our criteria to be classified as pathogenic

NM_001361.5(DHODH):c.952G>T (p.Glu318Ter)

Gene: DHODH (dihydroorotate dehydrogenase (quinone); plus strand). Cytogenetic location: 16q22.2.
Variant type: single nucleotide variant.
Coding change: c.952G>T on transcript NM_001361.5 (MANE Select); coding-DNA position 952, G replaced by T.
Protein change: p.Glu318Ter; replaces glutamic acid 318 with a stop codon.
Molecular consequence: nonsense.
Genome position (GRCh38, 1-based): chr16:72,023,297, G>T. VCF-style: chr16-72023297-G-T. GRCh37 (hg19) VCF-style: chr16-72057196-G-T.
Other names: short protein forms E318*.
Identifiers: ClinVar variation 1301617 (VCV001301617.2), dbSNP rs1288171226, ClinGen allele CA396686590.